The following is an entry in ClinVar:

NM_006231.4(POLE):c.1371G>A (p.Thr457=)

Gene: POLE (DNA polymerase epsilon, catalytic subunit; minus strand). Cytogenetic location: 12q24.33.
Variant type: single nucleotide variant.
Coding change: c.1371G>A on transcript NM_006231.4 (MANE Select); coding-DNA position 1371, G replaced by A.
Protein change: p.Thr457=; no amino-acid change (threonine 457 retained).
Molecular consequence: synonymous variant.
Genome position (GRCh38, 1-based): chr12:132,673,266, C>T on the plus strand (G>A on the coding strand, the complement: POLE is on the minus strand). VCF-style: chr12-132673266-C-T. GRCh37 (hg19) VCF-style: chr12-133249852-C-T.
Identifiers: ClinVar variation 385293 (VCV000385293.18), dbSNP rs753216372, ClinGen allele CA6893975.

ClinVar aggregate classification (germline): Benign/Likely benign. Review status: criteria provided, multiple submitters, no conflicts (2 of 4 stars). 4 submissions from 4 submitters: Benign (1); Likely benign (3). Last evaluated 2026-01-17.

Conditions:
Hereditary cancer-predisposing syndrome. Also called: Hereditary Cancer Syndrome; Hereditary neoplastic syndrome; Neoplastic Syndromes, Hereditary; Tumor predisposition. Identifiers: Orphanet 140162, MedGen C0027672, MeSH D009386, MONDO:0015356.
Colorectal cancer, susceptibility to, 12 (CRCS12). Also called: COLORECTAL CANCER, SUSCEPTIBILITY TO, ON CHROMOSOME 12q24. Identifiers: Orphanet 220460, MedGen C3554460, MONDO:0014038, OMIM 615083.

Allele frequency attached by ClinVar (database versions not stated): gnomAD exomes 0.00001 and 0.00002; ExAC 0.00002; TOPMed 0.00002; gnomAD 0.00003.

Submissions (4):

Labcorp Genetics (formerly Invitae), Labcorp
Classification: Likely benign. Last evaluated: 2026-01-17. Review status: criteria provided, single submitter. Criteria: Invitae Variant Classification Sherloc (09022015). Collection method: clinical testing. Allele origin: germline.

Myriad Genetics, Inc.
Classification: Benign for Colorectal cancer, susceptibility to, 12. Last evaluated: 2025-02-11. Review status: criteria provided, single submitter. Criteria: Myriad Autosomal Dominant, Autosomal Recessive and X-Linked Classification Criteria (2023). Collection method: clinical testing. Allele origin: unknown.
Comment: This variant is considered benign. This variant is a silent/synonymous amino acid change and it is not expected to impact splicing.

GeneDx
Classification: Likely benign. Last evaluated: 2016-04-02. Review status: criteria provided, single submitter. Criteria: GeneDx Variant Classification (06012015). Collection method: clinical testing. Allele origin: germline. Affected: yes.
Comment: This variant is considered likely benign or benign based on one or more of the following criteria: it is a conservative change, it occurs at a poorly conserved position in the protein, it is predicted to be benign by multiple in silico algorithms, and/or has population frequency not consistent with disease.

Ambry Genetics
Classification: Likely benign for Hereditary cancer-predisposing syndrome. Last evaluated: 2015-07-10. Review status: criteria provided, single submitter. Criteria: Ambry Variant Classification Scheme 2023. Collection method: clinical testing. Allele origin: germline.